The following is an entry in ClinVar:

ClinVar aggregate classification (germline): Pathogenic (1 of 4 stars; one submission).

Conditions:
GLUT1 deficiency syndrome 1, autosomal recessive. Identifiers: MedGen C3149117.

Submission:

Labcorp Genetics (formerly Invitae), Labcorp
Classification: Pathogenic for GLUT1 deficiency syndrome 1, autosomal recessive. Last evaluated: 2024-06-17. Review status: criteria provided, single submitter. Criteria: Invitae Variant Classification Sherloc (09022015). Collection method: clinical testing. Allele origin: germline.
Comment: This sequence change affects an acceptor splice site in intron 4 of the SLC2A1 gene. It is expected to disrupt RNA splicing. Variants that disrupt the donor or acceptor splice site typically lead to a loss of protein function (PMID: 16199547), and loss-of-function variants in SLC2A1 are known to be pathogenic (PMID: 21832227, 26193382). This variant is not present in population databases (gnomAD no frequency). Disruption of this splice site has been observed in individual(s) with epilepsy and/or GLUT1-deficiency syndrome (PMID: 24080273, 34568804). Algorithms developed to predict the effect of sequence changes on RNA splicing suggest that this variant may disrupt the consensus splice site. For these reasons, this variant has been classified as Pathogenic.

Literature cited by the submitters: PubMed 16199547; PubMed 21832227; PubMed 26193382; PubMed 24080273; PubMed 34568804.

NM_006516.4(SLC2A1):c.517-2A>G

Gene: SLC2A1 (solute carrier family 2 member 1; minus strand). Cytogenetic location: 1p34.2.
Variant type: single nucleotide variant.
Coding change: c.517-2A>G on transcript NM_006516.4 (MANE Select); the canonical splice acceptor site of the intron before coding-DNA position 517, A replaced by G.
Molecular consequence: splice acceptor variant.
Genome position (GRCh38, 1-based): chr1:42,930,037, T>C on the plus strand (A>G on the coding strand, the complement: SLC2A1 is on the minus strand). VCF-style: chr1-42930037-T-C. GRCh37 (hg19) VCF-style: chr1-43395708-T-C.
Identifiers: ClinVar variation 3720192 (VCV003720192.2).
Genomic context (GRCh38, chr1:42,930,037, plus strand): 5'-ATGCTCAGCAGCAGGGGCCACAGGTCCTTGTTGCCCATGATGGAGTCCAGGCCGAACACC[T>C]GGGGGAAGCAGGGGCCGTGAGCGCCTCTGCCCTGACCCCCTTTCCCACCCCGTCCTGCCA-3'